The following is an entry in ClinVar:

ClinVar aggregate classification (germline): Uncertain significance (1 of 4 stars; one submission).

gnomAD v4.1: 1 of 1,613,552 alleles (0.000062%); highest among the groups gnomAD compares: Non-Finnish European, 0.000085%; no homozygotes.

Submission:

CeGaT Center for Human Genetics Tuebingen
Classification: Uncertain significance. Last evaluated: 2026-02-01. Review status: criteria provided, single submitter. Criteria: CeGaT Center For Human Genetics Tuebingen Variant Classification Criteria Version 2. Collection method: clinical testing. Allele origin: germline. Affected: yes. Observed: 1 variant allele.
Comment: HPD: PM2, BP4

NM_002150.3(HPD):c.531T>A (p.Ser177Arg)

Genes: HPD (4-hydroxyphenylpyruvate dioxygenase; minus strand), TIALD (transcript inducer of AURKA lysosomal degradation; plus strand). Cytogenetic location: 12q24.31.
Variant type: single nucleotide variant.
Coding change: c.531T>A on transcript NM_002150.3 (MANE Select); coding-DNA position 531, T replaced by A.
Protein change: p.Ser177Arg; replaces serine 177 with arginine.
Molecular consequence: missense variant.
Genome position (GRCh38, 1-based): chr12:121,849,064, A>T on the plus strand (T>A on the coding strand, the complement: HPD is on the minus strand). VCF-style: chr12-121849064-A-T. GRCh37 (hg19) VCF-style: chr12-122286970-A-T.
Other names: c.414T>A, p.Ser138Arg (NM_001171993.2); short protein forms S138R, S177R.
Identifiers: ClinVar variation 4823447 (VCV004823447.4).